The following is an entry in ClinVar:

NM_005068.3(SIM1):c.1173G>A (p.Ser391=)

Genes: SIM1 (SIM bHLH transcription factor 1; minus strand), SIM1-AS1 (SIM1 antisense RNA 1; plus strand). Cytogenetic location: 6q16.3.
Variant type: single nucleotide variant.
Coding change: c.1173G>A on transcript NM_005068.3 (MANE Select); coding-DNA position 1173, G replaced by A.
Protein change: p.Ser391=; no amino-acid change (serine 391 retained).
Molecular consequence: synonymous variant. On other transcripts: non-coding transcript variant (1).
Genome position (GRCh38, 1-based): chr6:100,393,884, C>T on the plus strand (G>A on the coding strand, the complement: SIM1 is on the minus strand). VCF-style: chr6-100393884-C-T. GRCh37 (hg19) VCF-style: chr6-100841760-C-T.
Other names: c.1173G>A, p.Ser391= (NM_001374769.1).
Identifiers: ClinVar variation 4977465 (VCV004977465.1).

ClinVar aggregate classification (germline): Likely benign (1 of 4 stars; one submission).

Conditions:
SIM1-related disorder. Also called: SIM1-related condition; SIM1-related disorders.

gnomAD v4.1: 17 of 1,547,698 alleles (0.0011%); highest among the groups gnomAD compares: Middle Eastern, 0.21%; no homozygotes.

Submission:

PreventionGenetics, part of Exact Sciences
Classification: Likely benign for SIM1-related condition. Last evaluated: 2025-02-05. Review status: criteria provided, single submitter. Criteria: ACMG Guidelines, 2015. Collection method: clinical testing. Allele origin: germline.
Comment: This variant is classified as likely benign based on ACMG/AMP sequence variant interpretation guidelines (Richards et al. 2015 PMID: 25741868, with internal and published modifications).